The following is an entry in ClinVar:

ClinVar aggregate classification (germline): Uncertain significance (1 of 4 stars; one submission).

Conditions:
Combined immunodeficiency with skin granulomas. Identifiers: Orphanet 157949, MedGen C2673536, MONDO:0009306, OMIM 233650.
Severe combined immunodeficiency, autosomal recessive, T cell-negative, B cell-negative, NK cell-positive. Also called: SCID, T CELL-NEGATIVE, B CELL-NEGATIVE, NK CELL-POSITIVE; Severe combined immunodeficiency due to complete RAG1/2 deficiency; SCID, AR, T-cell negative, B-cell negative, NK cell-positive. Identifiers: Orphanet 331206, MedGen C1832322, MONDO:0011086, OMIM 601457.

Submission:

Labcorp Genetics (formerly Invitae), Labcorp
Classification: Uncertain significance for Combined immunodeficiency with skin granulomas; Severe combined immunodeficiency, autosomal recessive, T cell-negative, B cell-negative, NK cell-positive. Last evaluated: 2023-10-25. Review status: criteria provided, single submitter. Criteria: Invitae Variant Classification Sherloc (09022015). Collection method: clinical testing. Allele origin: germline.
Comment: This sequence change replaces serine, which is neutral and polar, with proline, which is neutral and non-polar, at codon 898 of the RAG1 protein (p.Ser898Pro). This variant is not present in population databases (gnomAD no frequency). This variant has not been reported in the literature in individuals affected with RAG1-related conditions. Advanced modeling of protein sequence and biophysical properties (such as structural, functional, and spatial information, amino acid conservation, physicochemical variation, residue mobility, and thermodynamic stability) performed at Invitae indicates that this missense variant is not expected to disrupt RAG1 protein function with a negative predictive value of 80%. In summary, the available evidence is currently insufficient to determine the role of this variant in disease. Therefore, it has been classified as a Variant of Uncertain Significance.

NM_000448.3(RAG1):c.2692T>C (p.Ser898Pro)

Gene: RAG1 (recombination activating 1; plus strand). Cytogenetic location: 11p12.
Variant type: single nucleotide variant.
Coding change: c.2692T>C on transcript NM_000448.3 (MANE Select); coding-DNA position 2692, T replaced by C.
Protein change: p.Ser898Pro; replaces serine 898 with proline.
Molecular consequence: missense variant.
Genome position (GRCh38, 1-based): chr11:36,575,996, T>C. VCF-style: chr11-36575996-T-C. GRCh37 (hg19) VCF-style: chr11-36597546-T-C.
Other names: c.2692T>C, p.Ser898Pro (NM_001377277.1, NM_001377278.1, NM_001377279.1 and 1 more transcripts); short protein forms S898P.
Identifiers: ClinVar variation 2953285 (VCV002953285.3), dbSNP rs2494761594, ClinGen allele CA380134898.